The following is an entry in ClinVar:

NM_000548.5(TSC2):c.1717-4G>A

Gene: TSC2 (TSC complex subunit 2; plus strand). Cytogenetic location: 16p13.3.
Variant type: single nucleotide variant.
Coding change: c.1717-4G>A on transcript NM_000548.5 (MANE Select); 4 bases into the intron before coding-DNA position 1717, G replaced by A.
Molecular consequence: intron variant.
Genome position (GRCh38, 1-based): chr16:2,070,452, G>A. VCF-style: chr16-2070452-G-A. GRCh37 (hg19) VCF-style: chr16-2120453-G-A.
Other names: c.373-4G>A (NM_001406693.1, NM_001406689.1, NM_001406690.1 and 6 more transcripts); c.1807-4G>A (NM_001406667.1, NM_001406668.1); c.1117-4G>A (NM_001406680.1, NM_001406683.1, NM_001406687.1 and 6 more transcripts); c.115-4G>A (NM_001406698.1); c.1717-4G>A (NM_001114382.3, NM_001406663.1, NM_001406664.1 and 6 more transcripts); c.1705-4G>A (NM_001406671.1, NM_001406673.1); c.1255-4G>A (NM_001406681.1); c.1606-4G>A (NM_001406670.1, NM_001318827.2, NM_001406678.1); and 3 more.
Identifiers: ClinVar variation 2864501 (VCV002864501.4), dbSNP rs2151277463, ClinGen allele CA2731826996.

ClinVar aggregate classification (germline): Likely benign. Review status: criteria provided, multiple submitters, no conflicts (2 of 4 stars). 2 submissions from 2 submitters: Likely benign (2). Last evaluated 2025-05-15.

Conditions:
Tuberous sclerosis 2 (TSC2). Identifiers: Orphanet 805, MedGen C1860707, MONDO:0013199, OMIM 613254.

Submissions (2):

Myriad Genetics, Inc.
Classification: Likely benign for Tuberous sclerosis 2. Last evaluated: 2025-05-15. Review status: criteria provided, single submitter. Criteria: Myriad Autosomal Dominant, Autosomal Recessive and X-Linked Classification Criteria (2023). Collection method: clinical testing. Allele origin: unknown.
Comment: This variant is considered likely benign. This variant is intronic and is not expected to impact mRNA splicing.

Labcorp Genetics (formerly Invitae), Labcorp
Classification: Likely benign for Tuberous sclerosis 2. Last evaluated: 2023-05-30. Review status: criteria provided, single submitter. Criteria: Invitae Variant Classification Sherloc (09022015). Collection method: clinical testing. Allele origin: germline.